The following is an entry in ClinVar:

ClinVar aggregate classification (germline): Uncertain significance. Review status: criteria provided, multiple submitters, no conflicts (2 of 4 stars). 2 submissions from 2 submitters: Uncertain significance (2). Last evaluated 2024-09-08.

Conditions:
Pancreatic adenocarcinoma. Identifiers: MedGen C0281361, MONDO:0006047, HP:0006725.

Allele frequency attached by ClinVar (database versions not stated): gnomAD exomes 0.00001 and 0.00002; gnomAD 0.00001; TOPMed below 0.00001; ExAC 0.00002.
gnomAD v4.1: 10 of 1,613,980 alleles (0.00062%); highest among the groups gnomAD compares: Admixed American, 0.0033%; no homozygotes.

Submissions (2):

Ambry Genetics
Classification: Uncertain significance. Last evaluated: 2024-09-08. Review status: criteria provided, single submitter. Criteria: Ambry Variant Classification Scheme 2023. Collection method: clinical testing. Allele origin: germline.
Comment: The p.C1068Y variant (also known as c.3203G>A), located in coding exon 18 of the PALLD gene, results from a G to A substitution at nucleotide position 3203. The cysteine at codon 1068 is replaced by tyrosine, an amino acid with highly dissimilar properties. This amino acid position is conserved. In addition, this alteration is predicted to be deleterious by in silico analysis. Since supporting evidence is limited at this time, the clinical significance of this alteration remains unclear.

Labcorp Genetics (formerly Invitae), Labcorp
Classification: Uncertain significance for Pancreatic adenocarcinoma. Last evaluated: 2024-04-08. Review status: criteria provided, single submitter. Criteria: Invitae Variant Classification Sherloc (09022015). Collection method: clinical testing. Allele origin: germline.
Comment: This sequence change replaces cysteine, which is neutral and slightly polar, with tyrosine, which is neutral and polar, at codon 581 of the PALLD protein (p.Cys581Tyr). This variant is present in population databases (rs771679229, gnomAD 0.009%). This variant has not been reported in the literature in individuals affected with PALLD-related conditions. ClinVar contains an entry for this variant (Variation ID: 220349). An algorithm developed to predict the effect of missense changes on protein structure and function (PolyPhen-2) suggests that this variant is likely to be disruptive. In summary, the available evidence is currently insufficient to determine the role of this variant in disease. Therefore, it has been classified as a Variant of Uncertain Significance.

NM_001166108.2(PALLD):c.3254G>A (p.Cys1085Tyr)

Genes: CBR4 (carbonyl reductase 4; minus strand), PALLD (palladin, cytoskeletal associated protein; plus strand). Cytogenetic location: 4q32.3.
Variant type: single nucleotide variant.
Coding change: c.3254G>A on transcript NM_001166108.2 (MANE Select); coding-DNA position 3254, G replaced by A.
Protein change: p.Cys1085Tyr; replaces cysteine 1085 with tyrosine.
Molecular consequence: missense variant.
Genome position (GRCh38, 1-based): chr4:168,924,974, G>A. VCF-style: chr4-168924974-G-A. GRCh37 (hg19) VCF-style: chr4-169846125-G-A.
Other names: c.2057G>A, p.Cys686Tyr (NM_001166109.2); c.1742G>A, p.Cys581Tyr (NM_001166110.2); c.1082G>A, p.Cys361Tyr (NM_001367567.1, NM_001367569.1); c.1133G>A, p.Cys378Tyr (NM_001367568.1, NM_001367570.1); c.3203G>A, p.Cys1068Tyr (NM_016081.4); short protein forms C1068Y, C581Y, C361Y, C686Y, C378Y, C1085Y.
Identifiers: ClinVar variation 220349 (VCV000220349.10), dbSNP rs771679229, ClinGen allele CA350219.